The following is an entry in ClinVar:

ClinVar aggregate classification (germline): Uncertain significance (1 of 4 stars; one submission).

Conditions:
Congenital myotonia, autosomal recessive form. Also called: BECKER DISEASE; Becker Generalized Myotonia; myotonia congenita, autosomal recessive. Identifiers: Orphanet 614, MedGen C0751360, MONDO:0009715, OMIM 255700.
Congenital myotonia, autosomal dominant form (THD). Also called: THOMSEN DISEASE; Myotonia congenita autosomal dominant. Identifiers: Orphanet 614, MedGen C2936781, MONDO:0008055, OMIM 160800.

gnomAD v4.1: 10 of 1,613,566 alleles (0.00062%); highest among the groups gnomAD compares: Non-Finnish European, 0.00085%; no homozygotes.

Submission:

Labcorp Genetics (formerly Invitae), Labcorp
Classification: Uncertain significance for Congenital myotonia, autosomal recessive form; Congenital myotonia, autosomal dominant form. Last evaluated: 2021-05-30. Review status: criteria provided, single submitter. Criteria: Invitae Variant Classification Sherloc (09022015). Collection method: clinical testing. Allele origin: germline.
Comment: In summary, the available evidence is currently insufficient to determine the role of this variant in disease. Therefore, it has been classified as a Variant of Uncertain Significance. Advanced modeling of protein sequence and biophysical properties (such as structural, functional, and spatial information, amino acid conservation, physicochemical variation, residue mobility, and thermodynamic stability) performed at Invitae indicates that this missense variant is not expected to disrupt CLCN1 protein function. This variant has not been reported in the literature in individuals with CLCN1-related conditions. This variant is present in population databases (rs529481237, ExAC 0.002%). This sequence change replaces arginine with leucine at codon 780 of the CLCN1 protein (p.Arg780Leu). The arginine residue is weakly conserved and there is a moderate physicochemical difference between arginine and leucine.

NM_000083.3(CLCN1):c.2339G>T (p.Arg780Leu)

Gene: CLCN1 (chloride voltage-gated channel 1; plus strand). Cytogenetic location: 7q34.
Variant type: single nucleotide variant.
Coding change: c.2339G>T on transcript NM_000083.3 (MANE Select); coding-DNA position 2339, G replaced by T.
Protein change: p.Arg780Leu; replaces arginine 780 with leucine.
Molecular consequence: missense variant. On other transcripts: non-coding transcript variant (1).
Genome position (GRCh38, 1-based): chr7:143,346,633, G>T. VCF-style: chr7-143346633-G-T. GRCh37 (hg19) VCF-style: chr7-143043726-G-T.
Other names: short protein forms R780L.
Identifiers: ClinVar variation 1426800 (VCV001426800.8), dbSNP rs529481237, ClinGen allele CA4537640.